The following is an entry in ClinVar:

NM_020549.5(CHAT):c.753-26C>T

Gene: CHAT (choline O-acetyltransferase; plus strand). Cytogenetic location: 10q11.23.
Variant type: single nucleotide variant.
Coding change: c.753-26C>T on transcript NM_020549.5 (MANE Select); 26 bases into the intron before coding-DNA position 753, C replaced by T.
Molecular consequence: intron variant.
Genome position (GRCh38, 1-based): chr10:49,625,447, C>T. VCF-style: chr10-49625447-C-T. GRCh37 (hg19) VCF-style: chr10-50833493-C-T.
Other names: c.399-26C>T (NM_020984.4, NM_020985.4, NM_020986.4 and 2 more transcripts); c.507-26C>T (NM_001142933.2).
Identifiers: ClinVar variation 261338 (VCV000261338.3), dbSNP rs12257601, ClinGen allele CA5497264.

ClinVar aggregate classification (germline): Benign. Review status: criteria provided, multiple submitters, no conflicts (2 of 4 stars). 3 submissions from 3 submitters: Benign (3). Last evaluated 2018-06-19.

Allele frequency attached by ClinVar (database versions not stated): gnomAD exomes 0.00885 and 0.02314; ExAC 0.02866; gnomAD 0.08728 and 0.09336; 1000 Genomes Project 0.09665; ESP Exome Variant Server 0.09696; TOPMed 0.09933; 1000 Genomes Project 30x 0.09947.
gnomAD v4.1: 26,815 of 1,610,322 alleles (1.7%); highest among the groups gnomAD compares: African/African-American, 30%; 3,564 homozygotes.

Submissions (3):

GeneDx
Classification: Benign. Last evaluated: 2018-06-19. Review status: criteria provided, single submitter. Criteria: GeneDx Variant Classification (06012015). Collection method: clinical testing. Allele origin: germline. Affected: yes.
Comment: This variant is considered likely benign or benign based on one or more of the following criteria: it is a conservative change, it occurs at a poorly conserved position in the protein, it is predicted to be benign by multiple in silico algorithms, and/or has population frequency not consistent with disease.

Breakthrough Genomics
Classification: Benign. Review status: criteria provided, single submitter. Criteria: ACMG Guidelines, 2015. Collection method: not provided. Allele origin: germline. Inheritance: Autosomal recessive inheritance. Affected: yes.

PreventionGenetics, part of Exact Sciences
Classification: Benign. Review status: criteria provided, single submitter. Criteria: ACMG Guidelines, 2015. Collection method: clinical testing. Allele origin: germline.